The following is an entry in ClinVar:

NM_001330260.2(SCN8A):c.4278G>A (p.Arg1426=)

Gene: SCN8A (sodium voltage-gated channel alpha subunit 8; plus strand). Cytogenetic location: 12q13.13.
Variant type: single nucleotide variant.
Coding change: c.4278G>A on transcript NM_001330260.2 (MANE Select); coding-DNA position 4278, G replaced by A.
Protein change: p.Arg1426=; no amino-acid change (arginine 1426 retained).
Molecular consequence: synonymous variant.
Genome position (GRCh38, 1-based): chr12:51,788,745, G>A. VCF-style: chr12-51788745-G-A. GRCh37 (hg19) VCF-style: chr12-52182529-G-A.
Other names: c.4155G>A, p.Arg1385= (NM_001177984.3, NM_001369788.1); c.4278G>A, p.Arg1426= (NM_014191.4).
Identifiers: ClinVar variation 287399 (VCV000287399.31), dbSNP rs143867796, ClinGen allele CA6571773.

ClinVar aggregate classification (germline): Benign/Likely benign. Review status: criteria provided, multiple submitters, no conflicts (2 of 4 stars). 8 submissions from 8 submitters: Benign (4); Likely benign (4). Last evaluated 2026-02-02.

Conditions:
Cognitive impairment with or without cerebellar ataxia (CIAT). Identifiers: MedGen C3280415, MONDO:0013680, OMIM 614306.
Seizures, benign familial infantile, 5 (BFIS5). Also called: CONVULSIONS, BENIGN FAMILIAL INFANTILE, 5. Identifiers: Orphanet 306, MedGen C4310728, MONDO:0014903, OMIM 617080.
Developmental and epileptic encephalopathy, 13 (DEE13). Also called: Developmental and Epileptic Encephalopathy (SCN8A-DEE); SCN8A-Related Epilepsy; Early infantile epileptic encephalopathy 13. Identifiers: Orphanet 442835, MedGen C3281191, MONDO:0013801, OMIM 614558.
Myoclonus, familial, 2. Identifiers: MedGen C5193056, MONDO:0100092, OMIM 618364.
SCN8A-related disorder.
Inborn genetic diseases. Identifiers: MedGen C0950123, MeSH D030342.
Early-infantile DEE. Also called: Early infantile epileptic encephalopathy; Ohtahara syndrome; Early infantile epileptic encephalopathy with suppression bursts. Identifiers: Orphanet 1934, MedGen C0393706, MONDO:0800491.

Allele frequency attached by ClinVar (database versions not stated): gnomAD exomes 0.00017 and 0.00043; ESP Exome Variant Server 0.00200; 1000 Genomes Project 0.00140; gnomAD 0.00183 and 0.00168; TOPMed 0.00181; ExAC 0.00047; 1000 Genomes Project 30x 0.00141.
gnomAD v4.1: 505 of 1,609,244 alleles (0.031%); highest among the groups gnomAD compares: African/African-American, 0.62%; 1 homozygote.

Submissions (8):

Labcorp Genetics (formerly Invitae), Labcorp
Classification: Benign for Early-infantile DEE. Last evaluated: 2026-02-02. Review status: criteria provided, single submitter. Criteria: Invitae Variant Classification Sherloc (09022015). Collection method: clinical testing. Allele origin: germline.

CeGaT Center for Human Genetics Tuebingen
Classification: Likely benign. Last evaluated: 2025-09-01. Review status: criteria provided, single submitter. Criteria: CeGaT Center For Human Genetics Tuebingen Variant Classification Criteria Version 2. Collection method: clinical testing. Allele origin: germline. Affected: yes. Observed: 1 variant allele.
Comment: SCN8A: BP4, BP7

PreventionGenetics, part of Exact Sciences
Classification: Benign for SCN8A-related condition. Last evaluated: 2025-01-04. Review status: criteria provided, single submitter. Criteria: ACMG Guidelines, 2015. Collection method: clinical testing. Allele origin: germline.
Comment: This variant is classified as benign based on ACMG/AMP sequence variant interpretation guidelines (Richards et al. 2015 PMID: 25741868, with internal and published modifications).

Blueprint Genetics
Classification: Likely benign. Last evaluated: 2024-09-18. Review status: criteria provided, single submitter. Criteria: ACMG Guidelines, 2015. Collection method: clinical testing. Allele origin: germline.

Fulgent Genetics
Classification: Likely benign for Cognitive impairment with or without cerebellar ataxia; Developmental and epileptic encephalopathy, 13; Seizures, benign familial infantile, 5; Myoclonus, familial, 2. Last evaluated: 2021-08-03. Review status: criteria provided, single submitter. Criteria: ACMG Guidelines, 2015. Collection method: clinical testing. Allele origin: unknown.

Eurofins Ntd Llc (ga)
Classification: Benign. Last evaluated: 2016-06-02. Review status: criteria provided, single submitter. Criteria: EGL Classification Definitions 2015. Collection method: clinical testing. Allele origin: germline. Observed: 1 variant allele, 1 heterozygote.

Ambry Genetics
Classification: Likely benign for Inborn genetic diseases. Last evaluated: 2016-05-13. Review status: criteria provided, single submitter. Criteria: Ambry Variant Classification Scheme 2023. Collection method: clinical testing. Allele origin: germline.

GeneDx
Classification: Benign. Last evaluated: 2015-05-08. Review status: criteria provided, single submitter. Criteria: GeneDx Variant Classification (06012015). Collection method: clinical testing. Allele origin: germline. Affected: yes.
Comment: This variant is considered likely benign or benign based on one or more of the following criteria: it is a conservative change, it occurs at a poorly conserved position in the protein, it is predicted to be benign by multiple in silico algorithms, and/or has population frequency not consistent with disease.